The following is an entry in ClinVar:

NM_004533.4(MYBPC2):c.1658C>T (p.Ala553Val)

Gene: MYBPC2 (myosin binding protein C2; plus strand). Cytogenetic location: 19q13.33.
Variant type: single nucleotide variant.
Coding change: c.1658C>T on transcript NM_004533.4 (MANE Select); coding-DNA position 1658, C replaced by T.
Protein change: p.Ala553Val; replaces alanine 553 with valine.
Molecular consequence: missense variant.
Genome position (GRCh38, 1-based): chr19:50,451,912, C>T. VCF-style: chr19-50451912-C-T. GRCh37 (hg19) VCF-style: chr19-50955169-C-T.
Other names: NC_000019.9:g.50955169C>T; c.1658C>T (NM_004533.3); short protein forms A553V.
Identifiers: ClinVar variation 2650337 (VCV002650337.26), dbSNP rs11879768, ClinGen allele CA9597806.

ClinVar aggregate classification (germline): Conflicting classifications of pathogenicity. Review status: criteria provided, conflicting classifications (1 of 4 stars). 2 submissions from 2 submitters: Uncertain significance (1); Likely benign (1). Last evaluated 2025-08-14.

Allele frequency attached by ClinVar (database versions not stated): ExAC 0.00147; ESP Exome Variant Server 0.00261; gnomAD 0.00265; 1000 Genomes Project 0.00339; TOPMed 0.00352; 1000 Genomes Project 30x 0.00375.
gnomAD v4.1: 881 of 1,585,290 alleles (0.056%); highest among the groups gnomAD compares: African/African-American, 0.96%; 7 homozygotes.

Submissions (3):

Ambry Genetics
Classification: Uncertain significance. Last evaluated: 2025-08-14. Review status: criteria provided, single submitter. Criteria: Ambry Variant Classification Scheme 2023. Collection method: clinical testing. Allele origin: germline.

CeGaT Center for Human Genetics Tuebingen
Classification: Likely benign. Last evaluated: 2023-02-01. Review status: criteria provided, single submitter. Criteria: CeGaT Center For Human Genetics Tuebingen Variant Classification Criteria Version 2. Collection method: clinical testing. Allele origin: germline. Affected: yes. Observed: 1 variant allele.
Comment: MYBPC2: BP4, BS2

Dr. Peter K. Rogan Lab, Western University
No classification provided (evidence only). Condition: Nonpapillary renal cell carcinoma. Review status: no classification provided. Collection method: in vitro. Allele origin: not applicable. Functional consequence: retained intron. Not counted in ClinVar's aggregate classification.